The following is an entry in ClinVar:

NM_020806.5(GPHN):c.754G>T (p.Ala252Ser)

Gene: GPHN (gephyrin; plus strand). Cytogenetic location: 14q23.3.
Variant type: single nucleotide variant.
Coding change: c.754G>T on transcript NM_020806.5 (MANE Select); coding-DNA position 754, G replaced by T.
Protein change: p.Ala252Ser; replaces alanine 252 with serine.
Molecular consequence: missense variant. On other transcripts: intron variant (7).
Genome position (GRCh38, 1-based): chr14:66,924,218, G>T. VCF-style: chr14-66924218-G-T. GRCh37 (hg19) VCF-style: chr14-67390935-G-T.
Other names: c.768+1280G>T (NM_001377514.1, NM_001377519.1); c.729+1280G>T (NM_001377515.1, NM_001377516.1, NM_001377518.1 and 2 more transcripts); short protein forms A252S.
Identifiers: ClinVar variation 3604528 (VCV003604528.2).
Genomic context (GRCh38, chr14:66,924,218, plus strand): 5'-TCACTATATTCATAGTTGTTATGTGTTGTGCATTAGAAGCATCCATTCTACACCAGTCCT[G>T]CTGTTGTCATGGCACACGGTGAACAGCCCATCCCTGGTCTCATCAATTATTCCCATCATT-3'
Protein context (NP_065857.1, residues 242-262): AKKHPFYTSP[Ala252Ser]VVMAHGEQPI

ClinVar aggregate classification (germline): Uncertain significance (1 of 4 stars; one submission).

Conditions:
Sulfite oxidase deficiency due to molybdenum cofactor deficiency type C. Also called: Molybdenum cofactor deficiency, complementation group C; Molybdenum cofactor deficiency C. Identifiers: Orphanet 308400, Orphanet 833, MedGen C1854990, MONDO:0014212, OMIM 615501.

gnomAD v4.1: 3 of 1,606,076 alleles (0.00019%); highest among the groups gnomAD compares: Non-Finnish European, 0.00026%; no homozygotes.

Submission:

Labcorp Genetics (formerly Invitae), Labcorp
Classification: Uncertain significance for Sulfite oxidase deficiency due to molybdenum cofactor deficiency type C. Last evaluated: 2024-04-30. Review status: criteria provided, single submitter. Criteria: Invitae Variant Classification Sherloc (09022015). Collection method: clinical testing. Allele origin: germline.
Comment: This sequence change replaces alanine, which is neutral and non-polar, with serine, which is neutral and polar, at codon 252 of the GPHN protein (p.Ala252Ser). This variant is present in population databases (no rsID available, gnomAD 0.002%). This variant has not been reported in the literature in individuals affected with GPHN-related conditions. An algorithm developed to predict the effect of missense changes on protein structure and function (PolyPhen-2) suggests that this variant is likely to be tolerated. Algorithms developed to predict the effect of sequence changes on RNA splicing suggest that this variant may disrupt the consensus splice site. In summary, the available evidence is currently insufficient to determine the role of this variant in disease. Therefore, it has been classified as a Variant of Uncertain Significance.